The following is an entry in ClinVar:

NM_005994.4(TBX2):c.756C>G (p.Thr252=)

Gene: TBX2 (T-box transcription factor 2; plus strand). Cytogenetic location: 17q23.2.
Variant type: single nucleotide variant.
Coding change: c.756C>G on transcript NM_005994.4 (MANE Select); coding-DNA position 756, C replaced by G.
Protein change: p.Thr252=; no amino-acid change (threonine 252 retained).
Molecular consequence: synonymous variant.
Genome position (GRCh38, 1-based): chr17:61,403,153, C>G. VCF-style: chr17-61403153-C-G. GRCh37 (hg19) VCF-style: chr17-59480514-C-G.
Other names: NC_000017.10:g.59480514C>G.
Identifiers: ClinVar variation 3353066 (VCV003353066.2).

ClinVar aggregate classification (germline): Likely benign (0 of 4 stars; one submission).

Conditions:
TBX2-related disorder. Also called: TBX2-related condition.

gnomAD v4.1: 174 of 1,613,768 alleles (0.011%); highest among the groups gnomAD compares: East Asian, 0.36%; 2 homozygotes.

Submissions (2):

PreventionGenetics, part of Exact Sciences
Classification: Likely benign for TBX2-related condition. Last evaluated: 2024-07-28. Review status: no assertion criteria provided. Collection method: clinical testing. Allele origin: germline.
Comment: This variant is classified as likely benign based on ACMG/AMP sequence variant interpretation guidelines (Richards et al. 2015 PMID: 25741868, with internal and published modifications).

Dr. Peter K. Rogan Lab, Western University
No classification provided (evidence only). Condition: Malignant tumor of esophagus. Review status: no classification provided. Collection method: in vitro. Allele origin: not applicable. Functional consequence: retained intron. Not counted in ClinVar's aggregate classification.